The following is an entry in ClinVar:

ClinVar aggregate classification (germline): Uncertain significance (1 of 4 stars; one submission).

Conditions:
Epidermolysis bullosa simplex 5B, with muscular dystrophy (EBS5B). Also called: EPIDERMOLYSIS BULLOSA SIMPLEX AND LIMB-GIRDLE MUSCULAR DYSTROPHY; Epidermolysis bullosa simplex with muscular dystrophy. Identifiers: Orphanet 257, MedGen C2931072, MONDO:0009181, OMIM 226670.
Epidermolysis bullosa simplex, Ogna type (EBS5A). Also called: EPIDERMOLYSIS BULLOSA SIMPLEX 5A, OGNA TYPE; Pidermolysis bullosa simplex 5A, Ogna type. Identifiers: Orphanet 79401, MedGen C0432317, MONDO:0007555, OMIM 131950.
Epidermolysis bullosa simplex 5C, with pyloric atresia (EBS5C). Also called: Epidermolysis bullosa simplex with pyloric atresia; PLEC-Related Epidermolysis Bullosa with Pyloric Atresia; PLEC1-Related Epidermolysis Bullosa with Pyloric Atresia. Identifiers: Orphanet 158684, MedGen C2677349, MONDO:0012807, OMIM 612138.
Autosomal recessive limb-girdle muscular dystrophy type 2Q (LGMDR17). Also called: MUSCULAR DYSTROPHY, LIMB-GIRDLE, AUTOSOMAL RECESSIVE 17. Identifiers: Orphanet 254361, MedGen C3150989, MONDO:0013390, OMIM 613723.
Epidermolysis bullosa simplex with nail dystrophy (EBS5D). Identifiers: MedGen C4225309, MONDO:0014661, OMIM 616487.

Allele frequency attached by ClinVar (database versions not stated): ExAC 0.00002; gnomAD 0.00002; gnomAD exomes 0.00002; TOPMed 0.00002; ESP Exome Variant Server 0.00008.
gnomAD v4.1: 15 of 1,612,566 alleles (0.00093%); highest among the groups gnomAD compares: African/African-American, 0.0013%; no homozygotes.

Submission:

Labcorp Genetics (formerly Invitae), Labcorp
Classification: Uncertain significance for Autosomal recessive limb-girdle muscular dystrophy type 2Q; Epidermolysis bullosa simplex, Ogna type; Epidermolysis bullosa simplex with nail dystrophy; Epidermolysis bullosa simplex 5C, with pyloric atresia; Epidermolysis bullosa simplex 5B, with muscular dystrophy. Last evaluated: 2024-06-23. Review status: criteria provided, single submitter. Criteria: Invitae Variant Classification Sherloc (09022015). Collection method: clinical testing. Allele origin: germline.
Comment: This sequence change replaces valine, which is neutral and non-polar, with alanine, which is neutral and non-polar, at codon 130 of the PLEC protein (p.Val130Ala). This variant is present in population databases (rs374120652, gnomAD 0.004%). This variant has not been reported in the literature in individuals affected with PLEC-related conditions. ClinVar contains an entry for this variant (Variation ID: 1016432). Experimental studies and prediction algorithms are not available or were not evaluated, and the functional significance of this variant is currently unknown. In summary, the available evidence is currently insufficient to determine the role of this variant in disease. Therefore, it has been classified as a Variant of Uncertain Significance.

NM_201384.3(PLEC):c.308T>C (p.Val103Ala)

Gene: PLEC (plectin; minus strand). Cytogenetic location: 8q24.3.
Variant type: single nucleotide variant.
Coding change: c.308T>C on transcript NM_201384.3 (MANE Select); coding-DNA position 308, T replaced by C.
Protein change: p.Val103Ala; replaces valine 103 with alanine.
Molecular consequence: missense variant.
Genome position (GRCh38, 1-based): chr8:143,937,199, A>G on the plus strand (T>C on the coding strand, the complement: PLEC is on the minus strand). VCF-style: chr8-143937199-A-G. GRCh37 (hg19) VCF-style: chr8-145011367-A-G.
Other names: c.389T>C, p.Val130Ala (NM_000445.5); c.266T>C, p.Val89Ala (NM_201378.4); c.242T>C, p.Val81Ala (NM_201379.3); c.719T>C, p.Val240Ala (NM_201380.4); c.212T>C, p.Val71Ala (NM_201381.3); c.308T>C, p.Val103Ala (NM_201382.4); c.320T>C, p.Val107Ala (NM_201383.3); short protein forms V103A, V107A, V130A, V240A, V71A, V81A, V89A.
Identifiers: ClinVar variation 1016432 (VCV001016432.5), dbSNP rs374120652, ClinGen allele CA4928500.